The following is an entry in ClinVar:

ClinVar aggregate classification (germline): Pathogenic (1 of 4 stars; one submission).

Conditions:
Autosomal recessive limb-girdle muscular dystrophy. Identifiers: Orphanet 102015, MedGen C2931907, MONDO:0015152.

Submission:

Myriad Genetics, Inc.
Classification: Pathogenic for Autosomal recessive limb-girdle muscular dystrophy. Last evaluated: 2023-09-13. Review status: criteria provided, single submitter. Criteria: Myriad Autosomal Dominant, Autosomal Recessive and X-Linked Classification Criteria (2023). Collection method: clinical testing. Allele origin: unknown.
Comment: NM_003494.3(DYSF):c.2698delA(T900Pfs*48) is expected to be pathogenic in the context of dysferlinopathy. This variant is predicted to lead to an abnormal or absent protein product due to the creation of a premature termination codon in DYSF, a gene where loss-of-function variants are known to be pathogenic. Please note: this variant was assessed in the context of healthy population screening.

NM_001130987.2(DYSF):c.2752del (p.Thr918fs)

Gene: DYSF (dysferlin; plus strand). Cytogenetic location: 2p13.2.
Variant type: Deletion.
Coding change: c.2752del on transcript NM_001130987.2 (MANE Select); coding-DNA position 2752, one base deleted (A; older notation c.2752delA).
Protein change: p.Thr918fs; shifts the reading frame from threonine 918.
Molecular consequence: frameshift variant.
Genome position (GRCh38, 1-based): chr2:71,568,226, A deleted. VCF-style (leftmost placement, unchanged base first): chr2-71568225-CA-C. GRCh37 (hg19) VCF-style: chr2-71795355-CA-C.
Other names: c.2701del, p.Thr901fs (NM_001130455.2, NM_001130983.2); c.2656del, p.Thr886fs (NM_001130976.2, NM_001130977.2); c.2698del, p.Thr900fs (NM_001130978.2, NM_003494.4); c.2791del, p.Thr931fs (NM_001130979.2); c.2749del, p.Thr917fs (NM_001130980.2, NM_001130981.2); c.2794del, p.Thr932fs (NM_001130982.2); c.2659del, p.Thr887fs (NM_001130984.2, NM_001130986.2); c.2752del, p.Thr918fs (NM_001130985.2); short protein forms T886fs, T887fs, T900fs, T901fs, T917fs, T918fs, T931fs, T932fs.
Identifiers: ClinVar variation 5011662 (VCV005011662.1).